The following is an entry in ClinVar:

ClinVar aggregate classification (germline): Uncertain significance. Review status: criteria provided, multiple submitters, no conflicts (2 of 4 stars). 3 submissions from 3 submitters: Uncertain significance (3). Last evaluated 2026-01-31.

Conditions:
Large congenital melanocytic nevus (CMNS). Also called: Congenital giant melanocytic nevus; PIGMENTED MOLES; Giant hairy nevus; Bathing trunk nevus; Congenital giant pigmented nevus; Giant congenital nevus. Identifiers: Orphanet 626, MedGen C1842036, MONDO:0044792, OMIM 137550, HP:0005600.
Malignant tumor of urinary bladder. Also called: Bladder cancer; Urinary bladder cancer; Urinary Bladder Neoplasms. Identifiers: MedGen C0005684, MONDO:0001187, OMIM 109800.
Costello syndrome (CSTLO). Also called: HRAS-Related Costello Syndrome; FCS SYNDROME; FACIOCUTANEOSKELETAL SYNDROME. Identifiers: Orphanet 3071, MedGen C0587248, MONDO:0009026, OMIM 218040.
Thyroid cancer, nonmedullary, 2 (NMTC2). Also called: THYROID CANCER, NONMEDULLARY, 2, SUSCEPTIBILITY TO; Thyroid carcinoma, follicular, somatic; THYROID CARCINOMA, FOLLICULAR. Identifiers: MedGen C4225426, MONDO:0008566, OMIM 188470.
Linear nevus sebaceous syndrome. Also called: Linear nevus sebaceous; Nevus, Sebaceous of Jadassohn; Sebaceous nevus syndrome and hemimegalencephaly; Linear sebaceous nevus sequence; JADASSOHN NEVUS PHAKOMATOSIS; NEVUS SEBACEUS OF JADASSOHN. Identifiers: Orphanet 2612, MedGen C4552097, MONDO:0008097, OMIM 163200, HP:0010817.
Epidermal nevus. Also called: NEVUS, KERATINOCYTIC, NONEPIDERMOLYTIC; Nevus, epidermal, somatic. Identifiers: Orphanet 79414, MedGen C0334082, MONDO:0008093, OMIM 162900, HP:0010816.

Allele frequency attached by ClinVar (database versions not stated): gnomAD exomes below 0.00001; ExAC 0.00001; gnomAD 0.00001; TOPMed 0.00001; ESP Exome Variant Server 0.00008.
gnomAD v4.1: 5 of 1,613,600 alleles (0.00031%); highest among the groups gnomAD compares: Non-Finnish European, 0.00042%; no homozygotes.

Submissions (3):

Labcorp Genetics (formerly Invitae), Labcorp
Classification: Uncertain significance for Costello syndrome. Last evaluated: 2026-01-31. Review status: criteria provided, single submitter. Criteria: Invitae Variant Classification Sherloc (09022015). Collection method: clinical testing. Allele origin: germline.
Comment: This sequence change creates a premature translational stop signal (p.Gln131*) in the HRAS gene. It is expected to result in an absent or disrupted protein product. However, the current clinical and genetic evidence is not sufficient to establish whether loss-of-function variants in HRAS cause disease. This variant is present in population databases (rs376688893, gnomAD 0.0009%). This variant has not been reported in the literature in individuals affected with HRAS-related conditions. ClinVar contains an entry for this variant (Variation ID: 409949). In summary, the available evidence is currently insufficient to determine the role of this variant in disease. Therefore, it has been classified as a Variant of Uncertain Significance.

Fulgent Genetics
Classification: Uncertain significance for Malignant tumor of urinary bladder; Large congenital melanocytic nevus; Epidermal nevus; Linear nevus sebaceous syndrome; Thyroid cancer, nonmedullary, 2; Costello syndrome. Last evaluated: 2024-02-05. Review status: criteria provided, single submitter. Criteria: ACMG Guidelines, 2015. Collection method: clinical testing. Allele origin: germline.

GeneDx
Classification: Uncertain significance. Last evaluated: 2022-06-01. Review status: criteria provided, single submitter. Criteria: GeneDx Variant Classification Process June 2021. Collection method: clinical testing. Allele origin: germline. Affected: yes.
Comment: Nonsense variant predicted to result in protein truncation or nonsense mediated decay in a gene or region of a gene for which loss of function is not a well-established mechanism of disease; Has not been previously published as pathogenic or benign to our knowledge

NM_005343.4(HRAS):c.391C>T (p.Gln131Ter)

Genes: HRAS (HRas proto-oncogene, GTPase; minus strand), LRRC56 (leucine rich repeat containing 56; plus strand). Cytogenetic location: 11p15.5.
Variant type: single nucleotide variant.
Coding change: c.391C>T on transcript NM_005343.4 (MANE Select); coding-DNA position 391, C replaced by T.
Protein change: p.Gln131Ter; replaces glutamine 131 with a stop codon.
Molecular consequence: nonsense. On other transcripts: synonymous variant (1).
Genome position (GRCh38, 1-based): chr11:533,512, G>A on the plus strand (C>T on the coding strand, the complement: HRAS is on the minus strand). VCF-style: chr11-533512-G-A. GRCh37 (hg19) VCF-style: chr11-533512-G-A.
Other names: c.391C>T, p.Gln131Ter (NM_001130442.3, NM_176795.5); c.72C>T, p.Leu24= (NM_001318054.2); short protein forms Q131*.
Identifiers: ClinVar variation 409949 (VCV000409949.12), dbSNP rs376688893, ClinGen allele CA5779324.